The following is an entry in ClinVar:

ClinVar aggregate classification (germline): Conflicting classifications of pathogenicity. Review status: criteria provided, conflicting classifications (1 of 4 stars). 3 submissions from 3 submitters: Uncertain significance (1); Likely benign (2). Last evaluated 2024-04-18.

Conditions:
Familial cancer of breast. Also called: BREAST CANCER, FAMILIAL; hereditary breast carcinoma; Hereditary breast cancer. Identifiers: Orphanet 227535, MedGen C0346153, MONDO:0016419, OMIM 114480. Disease mechanism: loss of function.
Ataxia-telangiectasia syndrome (AT). Also called: Ataxia-telangiectasia; AT, COMPLEMENTATION GROUP C; LOUIS-BAR SYNDROME; Ataxia telangiectasia (A-T); Cerebello-oculocutaneous telangiectasia; Immunodeficiency with ataxia telangiectasia. Identifiers: Orphanet 100, MedGen C0004135, MONDO:0008840, OMIM 208900.
Hereditary cancer-predisposing syndrome. Also called: Tumor predisposition; Hereditary Cancer Syndrome; Neoplastic Syndromes, Hereditary; Hereditary neoplastic syndrome. Identifiers: Orphanet 140162, MedGen C0027672, MeSH D009386, MONDO:0015356.

Submissions (3):

Myriad Genetics, Inc.
Classification: Likely benign for Familial cancer of breast. Last evaluated: 2024-04-18. Review status: criteria provided, single submitter. Criteria: Myriad Autosomal Dominant, Autosomal Recessive and X-Linked Classification Criteria (2023). Collection method: clinical testing. Allele origin: unknown.
Comment: This variant is considered likely benign. This variant is intronic and is not expected to impact mRNA splicing.

Labcorp Genetics (formerly Invitae), Labcorp
Classification: Likely benign for Ataxia-telangiectasia syndrome. Last evaluated: 2022-09-30. Review status: criteria provided, single submitter. Criteria: Invitae Variant Classification Sherloc (09022015). Collection method: clinical testing. Allele origin: germline.

Color Diagnostics, LLC DBA Color Health
Classification: Uncertain significance for Hereditary cancer-predisposing syndrome. Last evaluated: 2020-03-09. Review status: criteria provided, single submitter. Criteria: ACMG Guidelines, 2015. Collection method: clinical testing. Allele origin: germline.

NM_000051.4(ATM):c.332-7G>A

Gene: ATM (ATM serine/threonine kinase; plus strand). Cytogenetic location: 11q22.3.
Variant type: single nucleotide variant.
Coding change: c.332-7G>A on transcript NM_000051.4 (MANE Select); 7 bases into the intron before coding-DNA position 332, G replaced by A.
Molecular consequence: intron variant.
Genome position (GRCh38, 1-based): chr11:108,235,663, G>A. VCF-style: chr11-108235663-G-A. GRCh37 (hg19) VCF-style: chr11-108106390-G-A.
Other names: c.332-7G>A (NM_001351834.2).
Identifiers: ClinVar variation 751654 (VCV000751654.12), dbSNP rs1591474291, ClinGen allele CA915947710.